The following is an entry in ClinVar:

ClinVar aggregate classification (germline): Pathogenic (1 of 4 stars; one submission).

Submission:

Labcorp Genetics (formerly Invitae), Labcorp
Classification: Pathogenic. Last evaluated: 2024-02-23. Review status: criteria provided, single submitter. Criteria: Invitae Variant Classification Sherloc (09022015). Collection method: clinical testing. Allele origin: germline.
Comment: This sequence change creates a premature translational stop signal (p.Glu2298Lysfs*8) in the ADGRV1 gene. It is expected to result in an absent or disrupted protein product. Loss-of-function variants in ADGRV1 are known to be pathogenic (PMID: 19357117, 22135276, 22147658, 26226137, 30718709, 31047384, 32467589). This variant is not present in population databases (gnomAD no frequency). This variant has not been reported in the literature in individuals affected with ADGRV1-related conditions. Algorithms developed to predict the effect of sequence changes on RNA splicing suggest that this variant may disrupt the consensus splice site. For these reasons, this variant has been classified as Pathogenic.

Literature cited by the submitters: PubMed 19357117; PubMed 22135276; PubMed 22147658; PubMed 26226137; PubMed 30718709; PubMed 31047384; PubMed 32467589.

NM_032119.4(ADGRV1):c.6892del (p.Glu2298fs)

Gene: ADGRV1 (adhesion G protein-coupled receptor V1; plus strand). Cytogenetic location: 5q14.3.
Variant type: Deletion.
Coding change: c.6892del on transcript NM_032119.4 (MANE Select); coding-DNA position 6892, one base deleted (G; older notation c.6892delG).
Protein change: p.Glu2298fs; shifts the reading frame from glutamic acid 2298.
Molecular consequence: frameshift variant.
Genome position (GRCh38, 1-based): chr5:90,690,982, G deleted; the last of 4 consecutive G bases (chr5:90,690,979-90,690,982); deleting any one gives the same sequence. VCF-style (leftmost placement, unchanged base first): chr5-90690978-TG-T. GRCh37 (hg19) VCF-style: chr5-89986795-TG-T.
Other names: short protein forms E2298fs.
Identifiers: ClinVar variation 3642168 (VCV003642168.2).